The following is an entry in ClinVar:

ClinVar aggregate classification (germline): Likely benign. Review status: criteria provided, single submitter (1 of 4 stars). 2 submissions from 2 submitters: Likely benign (1). 1 of the submissions does not count toward it. Last evaluated 2024-01-13.

Conditions:
Bardet-Biedl syndrome (BBS). Identifiers: Orphanet 110, MedGen C0752166, MONDO:0015229.
BBS1-related disorder. Also called: BBS1-related condition.

Allele frequency attached by ClinVar (database versions not stated): gnomAD exomes below 0.00001 and 0.00002; TOPMed below 0.00001; gnomAD 0.00001.
gnomAD v4.1: 28 of 1,613,688 alleles (0.0017%); highest among the groups gnomAD compares: Non-Finnish European, 0.0022%; no homozygotes.

Submissions (2):

Labcorp Genetics (formerly Invitae), Labcorp
Classification: Likely benign for Bardet-Biedl syndrome. Last evaluated: 2024-01-13. Review status: criteria provided, single submitter. Criteria: Invitae Variant Classification Sherloc (09022015). Collection method: clinical testing. Allele origin: germline.

PreventionGenetics, part of Exact Sciences
Classification: Likely benign for BBS1-related condition. Last evaluated: 2022-04-05. Review status: no assertion criteria provided. Collection method: clinical testing. Allele origin: germline. Not counted in ClinVar's aggregate classification.
Comment: This variant is classified as likely benign based on ACMG/AMP sequence variant interpretation guidelines (Richards et al. 2015 PMID: 25741868, with internal and published modifications).

NM_024649.5(BBS1):c.592-7T>C

Gene: BBS1 (Bardet-Biedl syndrome 1; plus strand). Cytogenetic location: 11q13.2.
Variant type: single nucleotide variant.
Coding change: c.592-7T>C on transcript NM_024649.5 (MANE Select); 7 bases into the intron before coding-DNA position 592, T replaced by C.
Molecular consequence: intron variant.
Genome position (GRCh38, 1-based): chr11:66,519,610, T>C. VCF-style: chr11-66519610-T-C. GRCh37 (hg19) VCF-style: chr11-66287081-T-C.
Other names: c.592-7T>C (NM_024649.4).
Identifiers: ClinVar variation 1572990 (VCV001572990.9), dbSNP rs1377616978, ClinGen allele CA599876040.